The following is an entry in ClinVar:

ClinVar aggregate classification (germline): Uncertain significance. Review status: criteria provided, multiple submitters, no conflicts (2 of 4 stars). 2 submissions from 2 submitters: Uncertain significance (2). Last evaluated 2025-03-04.

Submissions (2):

Center for Genomic Medicine, Rigshospitalet, Copenhagen University Hospital
Classification: Uncertain significance. Last evaluated: 2025-03-04. Review status: criteria provided, single submitter. Criteria: ACMG Guidelines, 2015. Collection method: clinical testing. Allele origin: germline.

Labcorp Genetics (formerly Invitae), Labcorp
Classification: Uncertain significance. Last evaluated: 2025-02-03. Review status: criteria provided, single submitter. Criteria: Invitae Variant Classification Sherloc (09022015). Collection method: clinical testing. Allele origin: germline.
Comment: This sequence change replaces histidine, which is basic and polar, with arginine, which is basic and polar, at codon 580 of the POLE protein (p.His580Arg). This variant is not present in population databases (gnomAD no frequency). This variant has not been reported in the literature in individuals affected with POLE-related conditions. ClinVar contains an entry for this variant (Variation ID: 2692204). Invitae Evidence Modeling of protein sequence and biophysical properties (such as structural, functional, and spatial information, amino acid conservation, physicochemical variation, residue mobility, and thermodynamic stability) indicates that this missense variant is not expected to disrupt POLE protein function with a negative predictive value of 80%. In summary, the available evidence is currently insufficient to determine the role of this variant in disease. Therefore, it has been classified as a Variant of Uncertain Significance.

NM_006231.4(POLE):c.1739A>G (p.His580Arg)

Gene: POLE (DNA polymerase epsilon, catalytic subunit; minus strand). Cytogenetic location: 12q24.33.
Variant type: single nucleotide variant.
Coding change: c.1739A>G on transcript NM_006231.4 (MANE Select); coding-DNA position 1739, A replaced by G.
Protein change: p.His580Arg; replaces histidine 580 with arginine.
Molecular consequence: missense variant.
Genome position (GRCh38, 1-based): chr12:132,672,270, T>C on the plus strand (A>G on the coding strand, the complement: POLE is on the minus strand). VCF-style: chr12-132672270-T-C. GRCh37 (hg19) VCF-style: chr12-133248856-T-C.
Other names: short protein forms H580R.
Identifiers: ClinVar variation 2692204 (VCV002692204.3), dbSNP rs2542128720, ClinGen allele CA387356322.
Genomic context (GRCh38, chr12:132,672,270, plus strand): 5'-GTTACCTCTTCAAAGTTGGTGACTTGCTCCACAGGCACTTTCTCCTCTTCCTCAAGGGCG[T>C]GGCGCAAGGTCTTCTCAACCCGCTGCAGCAGGAAGTCAAAGGCGGCAGGATTCTAGCACA-3'
Protein context (NP_006222.2, residues 570-590): LLQRVEKTLR[His580Arg]ALEEEEKVPV